The following is an entry in ClinVar:

NM_001278624.2(NFXL1):c.1803A>G (p.Ala601=)

Genes: NFXL1 (nuclear transcription factor, X-box binding like 1; minus strand), LOC101927179 (uncharacterized LOC101927179; plus strand). Cytogenetic location: 4p12.
Variant type: single nucleotide variant.
Coding change: c.1803A>G on transcript NM_001278624.2 (MANE Select); coding-DNA position 1803, A replaced by G.
Protein change: p.Ala601=; no amino-acid change (alanine 601 retained).
Molecular consequence: synonymous variant. On other transcripts: non-coding transcript variant (1).
Genome position (GRCh38, 1-based): chr4:47,885,519, T>C on the plus strand (A>G on the coding strand, the complement: NFXL1 is on the minus strand). VCF-style: chr4-47885519-T-C. GRCh37 (hg19) VCF-style: chr4-47887536-T-C.
Other names: c.1803A>G, p.Ala601= (NM_001278623.1, NM_152995.6).
Identifiers: ClinVar variation 3059749 (VCV003059749.2), dbSNP rs2053404, ClinGen allele CA2910493.

ClinVar aggregate classification (germline): Benign (0 of 4 stars; one submission).

Conditions:
NFXL1-related disorder. Also called: NFXL1-related condition.

Allele frequency attached by ClinVar (database versions not stated): 1000 Genomes Project 0.71685; 1000 Genomes Project 30x 0.71752; TOPMed 0.72318; ESP Exome Variant Server 0.72674; gnomAD 0.73435; ExAC 0.74411; gnomAD exomes 0.75220.
gnomAD v4.1: 1,208,753 of 1,611,534 alleles (75%); highest among the groups gnomAD compares: South Asian, 76%; 454,877 homozygotes.

Submission:

PreventionGenetics, part of Exact Sciences
Classification: Benign for NFXL1-related condition. Last evaluated: 2019-10-17. Review status: no assertion criteria provided. Collection method: clinical testing. Allele origin: germline.
Comment: This variant is classified as benign based on ACMG/AMP sequence variant interpretation guidelines (Richards et al. 2015 PMID: 25741868, with internal and published modifications).